The following is an entry in ClinVar:

ClinVar aggregate classification (germline): Uncertain significance (1 of 4 stars; one submission).

gnomAD v4.1: 11 of 1,614,144 alleles (0.00068%); highest among the groups gnomAD compares: Non-Finnish European, 0.00068%; no homozygotes.

Submission:

Labcorp Genetics (formerly Invitae), Labcorp
Classification: Uncertain significance. Last evaluated: 2024-03-14. Review status: criteria provided, single submitter. Criteria: Invitae Variant Classification Sherloc (09022015). Collection method: clinical testing. Allele origin: germline.
Comment: This sequence change replaces serine, which is neutral and polar, with isoleucine, which is neutral and non-polar, at codon 146 of the TYR protein (p.Ser146Ile). This variant is present in population databases (no rsID available, gnomAD 0.009%). This variant has not been reported in the literature in individuals affected with TYR-related conditions. ClinVar contains an entry for this variant (Variation ID: 1926504). Advanced modeling of protein sequence and biophysical properties (such as structural, functional, and spatial information, amino acid conservation, physicochemical variation, residue mobility, and thermodynamic stability) has been performed at Invitae for this missense variant, however the output from this modeling did not meet the statistical confidence thresholds required to predict the impact of this variant on TYR protein function. In summary, the available evidence is currently insufficient to determine the role of this variant in disease. Therefore, it has been classified as a Variant of Uncertain Significance.

NM_000372.5(TYR):c.437G>T (p.Ser146Ile)

Gene: TYR (tyrosinase; plus strand). Cytogenetic location: 11q14.3.
Variant type: single nucleotide variant.
Coding change: c.437G>T on transcript NM_000372.5 (MANE Select); coding-DNA position 437, G replaced by T.
Protein change: p.Ser146Ile; replaces serine 146 with isoleucine.
Molecular consequence: missense variant.
Genome position (GRCh38, 1-based): chr11:89,178,390, G>T. VCF-style: chr11-89178390-G-T. GRCh37 (hg19) VCF-style: chr11-88911558-G-T.
Other names: short protein forms S146I.
Identifiers: ClinVar variation 1926504 (VCV001926504.4), dbSNP rs1214974325, ClinGen allele CA382034400.